The following is an entry in ClinVar:

ClinVar aggregate classification (germline): Pathogenic (1 of 4 stars; one submission).

Conditions:
TH-deficient dopa-responsive dystonia. Also called: DYT-TH; Tyrosine Hydroxylase-Deficient Dopa-Responsive Dystonia; Segawa syndrome, autosomal recessive. Identifiers: Orphanet 101150, MedGen C2673535, MONDO:0011551, OMIM 605407.

Submission:

Labcorp Genetics (formerly Invitae), Labcorp
Classification: Pathogenic for TH-deficient dopa-responsive dystonia. Last evaluated: 2023-04-15. Review status: criteria provided, single submitter. Criteria: Invitae Variant Classification Sherloc (09022015). Collection method: clinical testing. Allele origin: germline.
Comment: For these reasons, this variant has been classified as Pathogenic. ClinVar contains an entry for this variant (Variation ID: 1072805). This variant has not been reported in the literature in individuals affected with TH-related conditions. This variant is not present in population databases (gnomAD no frequency). This sequence change creates a premature translational stop signal (p.Gly294Alafs*17) in the TH gene. It is expected to result in an absent or disrupted protein product. Loss-of-function variants in TH are known to be pathogenic (PMID: 22264700, 24753243).

Literature cited by the submitters: PubMed 22264700; PubMed 24753243.

NM_000360.4(TH):c.788del (p.Gly263fs)

Gene: TH (tyrosine hydroxylase; minus strand). Cytogenetic location: 11p15.5.
Variant type: Deletion.
Coding change: c.788del on transcript NM_000360.4 (MANE Select); coding-DNA position 788, one base deleted (G; older notation c.788delG).
Protein change: p.Gly263fs; shifts the reading frame from glycine 263.
Molecular consequence: frameshift variant.
Genome position (GRCh38, 1-based): chr11:2,166,940, C deleted on the plus strand (G on the coding strand, the reverse complement: TH is on the minus strand); the first of 2 consecutive C bases (chr11:2,166,940-2,166,941); deleting either gives the same sequence. VCF-style (leftmost placement, unchanged base first): chr11-2166939-GC-G. GRCh37 (hg19) VCF-style: chr11-2188169-GC-G.
Other names: c.881del, p.Gly294fs (NM_199292.3); c.869del, p.Gly290fs (NM_199293.3); short protein forms G263fs, G290fs, G294fs.
Identifiers: ClinVar variation 1072805 (VCV001072805.7), dbSNP rs2133693561, ClinGen allele CA912971960.